The following is an entry in ClinVar:

NM_198060.4(NRAP):c.4899C>T (p.Cys1633=)

Gene: NRAP (nebulin related anchoring protein; minus strand). Cytogenetic location: 10q25.3.
Variant type: single nucleotide variant.
Coding change: c.4899C>T on transcript NM_198060.4 (MANE Select); coding-DNA position 4899, C replaced by T.
Protein change: p.Cys1633=; no amino-acid change (cysteine 1633 retained).
Molecular consequence: synonymous variant.
Genome position (GRCh38, 1-based): chr10:113,590,635, G>A on the plus strand (C>T on the coding strand, the complement: NRAP is on the minus strand). VCF-style: chr10-113590635-G-A. GRCh37 (hg19) VCF-style: chr10-115350394-G-A.
Other names: c.4899C>T, p.Cys1633= (NM_001261463.2); c.4791C>T, p.Cys1597= (NM_001322945.2); c.4794C>T, p.Cys1598= (NM_006175.5).
Identifiers: ClinVar variation 3895182 (VCV003895182.2), dbSNP rs762450341.

ClinVar aggregate classification (germline): Likely benign. Review status: criteria provided, multiple submitters, no conflicts (2 of 4 stars). 2 submissions from 2 submitters: Likely benign (2). Last evaluated 2025-04-09.

gnomAD v4.1: 113 of 1,613,862 alleles (0.007%); highest among the groups gnomAD compares: Non-Finnish European, 0.009%; no homozygotes.

Submissions (2):

Molecular Diagnostic Laboratory for Inherited Cardiovascular Disease, Montreal Heart Institute
Classification: Likely benign. Last evaluated: 2025-04-09. Review status: criteria provided, single submitter. Criteria: ACMG Guidelines, 2015. Collection method: clinical testing. Allele origin: germline. Affected: no.
Comment: BP7

Blueprint Genetics
Classification: Likely benign. Last evaluated: 2024-08-20. Review status: criteria provided, single submitter. Criteria: ACMG Guidelines, 2015. Collection method: clinical testing. Allele origin: germline.